The following is an entry in ClinVar:

ClinVar aggregate classification (germline): Uncertain significance (1 of 4 stars; one submission).

Allele frequency attached by ClinVar (database versions not stated): TOPMed 0.00001; ExAC 0.00002; gnomAD 0.00004.
gnomAD v4.1: 17 of 1,613,526 alleles (0.0011%); highest among the groups gnomAD compares: East Asian, 0.0067%; no homozygotes.

Submission:

Labcorp Genetics (formerly Invitae), Labcorp
Classification: Uncertain significance. Last evaluated: 2024-10-24. Review status: criteria provided, single submitter. Criteria: Invitae Variant Classification Sherloc (09022015). Collection method: clinical testing. Allele origin: germline.
Comment: This sequence change replaces arginine, which is basic and polar, with cysteine, which is neutral and slightly polar, at codon 1842 of the SORL1 protein (p.Arg1842Cys). The frequency data for this variant in the population databases is considered unreliable, as metrics indicate poor data quality at this position in the gnomAD database. This variant has not been reported in the literature in individuals affected with SORL1-related conditions. An algorithm developed to predict the effect of missense changes on protein structure and function outputs the following: PolyPhen-2: "Possibly Damaging". The cysteine amino acid residue is found in multiple mammalian species, which suggests that this missense change does not adversely affect protein function. In summary, the available evidence is currently insufficient to determine the role of this variant in disease. Therefore, it has been classified as a Variant of Uncertain Significance.

NM_003105.6(SORL1):c.5524C>T (p.Arg1842Cys)

Gene: SORL1 (sortilin related receptor 1; plus strand). Cytogenetic location: 11q24.1.
Variant type: single nucleotide variant.
Coding change: c.5524C>T on transcript NM_003105.6 (MANE Select); coding-DNA position 5524, C replaced by T.
Protein change: p.Arg1842Cys; replaces arginine 1842 with cysteine.
Molecular consequence: missense variant.
Genome position (GRCh38, 1-based): chr11:121,614,975, C>T. VCF-style: chr11-121614975-C-T. GRCh37 (hg19) VCF-style: chr11-121485684-C-T.
Other names: short protein forms R1842C.
Identifiers: ClinVar variation 2909732 (VCV002909732.3), dbSNP rs755862038, ClinGen allele CA6329979.
Genomic context (GRCh38, chr11:121,614,975, plus strand): 5'-GCCAAGACTGACTTGGGGGATAGCCCTCTGGCATTTGAGCATGTTATGACCAGAGGGGTT[C>T]GCCCACCTGCACCTAGCCTCAAGGCCAAAGCCATCAACCAGACTGCAGTGGAATGTACCT-3'
Protein context (NP_003096.2, residues 1832-1852): AFEHVMTRGV[Arg1842Cys]PPAPSLKAKA